The following is an entry in ClinVar:

ClinVar aggregate classification (germline): Uncertain significance. Review status: criteria provided, multiple submitters, no conflicts (2 of 4 stars). 4 submissions from 4 submitters: Uncertain significance (4). Last evaluated 2025-12-26.

Conditions:
Inborn genetic diseases. Identifiers: MedGen C0950123, MeSH D030342.
Hajdu-Cheney syndrome (HJCYS). Also called: ACROOSTEOLYSIS WITH OSTEOPOROSIS AND CHANGES IN SKULL AND MANDIBLE; SERPENTINE FIBULA-POLYCYSTIC KIDNEY SYNDROME; Acroosteolysis dominant type. Identifiers: Orphanet 955, MedGen C0917715, MONDO:0007057, OMIM 102500.
NOTCH2-related disorder. Also called: NOTCH2-related condition.

Allele frequency attached by ClinVar (database versions not stated): gnomAD exomes 0.00001; gnomAD 0.00003 and 0.00004; TOPMed 0.00008.
gnomAD v4.1: 11 of 1,612,170 alleles (0.00068%); highest among the groups gnomAD compares: Admixed American, 0.0083%; no homozygotes.

Submissions (4):

Labcorp Genetics (formerly Invitae), Labcorp
Classification: Uncertain significance for Hajdu-Cheney syndrome. Last evaluated: 2025-12-26. Review status: criteria provided, single submitter. Criteria: Invitae Variant Classification Sherloc (09022015). Collection method: clinical testing. Allele origin: germline.
Comment: This sequence change replaces serine, which is neutral and polar, with asparagine, which is neutral and polar, at codon 1381 of the NOTCH2 protein (p.Ser1381Asn). This variant is present in population databases (no rsID available, gnomAD 0.01%). This variant has not been reported in the literature in individuals affected with NOTCH2-related conditions. ClinVar contains an entry for this variant (Variation ID: 290439). Invitae Evidence Modeling of protein sequence and biophysical properties (such as structural, functional, and spatial information, amino acid conservation, physicochemical variation, residue mobility, and thermodynamic stability) indicates that this missense variant is not expected to disrupt NOTCH2 protein function with a negative predictive value of 80%. In summary, the available evidence is currently insufficient to determine the role of this variant in disease. Therefore, it has been classified as a Variant of Uncertain Significance.

PreventionGenetics, part of Exact Sciences
Classification: Uncertain significance for NOTCH2-related condition. Last evaluated: 2025-07-02. Review status: criteria provided, single submitter. Criteria: ACMG Guidelines, 2015. Collection method: clinical testing. Allele origin: germline.
Comment: The NOTCH2 c.4142G>A variant is predicted to result in the amino acid substitution p.Ser1381Asn. To our knowledge, this variant has not been reported in the literature. This variant is reported in 0.012% of alleles in individuals of African descent in gnomAD. Although we suspect that this variant may be benign, at this time, the clinical significance of this variant is uncertain due to the absence of conclusive functional and genetic evidence.

Ambry Genetics
Classification: Uncertain significance for Inborn genetic diseases. Last evaluated: 2021-10-12. Review status: criteria provided, single submitter. Criteria: Ambry Variant Classification Scheme 2023. Collection method: clinical testing. Allele origin: germline.

Eurofins Ntd Llc (ga)
Classification: Uncertain significance. Last evaluated: 2016-08-16. Review status: criteria provided, single submitter. Criteria: EGL Classification Definitions 2015. Collection method: clinical testing. Allele origin: germline. Observed: 1 variant allele, 1 heterozygote.

NM_024408.4(NOTCH2):c.4142G>A (p.Ser1381Asn)

Gene: NOTCH2 (notch receptor 2; minus strand). Cytogenetic location: 1p12.
Variant type: single nucleotide variant.
Coding change: c.4142G>A on transcript NM_024408.4 (MANE Select); coding-DNA position 4142, G replaced by A.
Protein change: p.Ser1381Asn; replaces serine 1381 with asparagine.
Molecular consequence: missense variant.
Genome position (GRCh38, 1-based): chr1:119,925,674, C>T on the plus strand (G>A on the coding strand, the complement: NOTCH2 is on the minus strand). VCF-style: chr1-119925674-C-T. GRCh37 (hg19) VCF-style: chr1-120468297-C-T.
Other names: c.4142G>A (NM_024408.3); short protein forms S1381N.
Identifiers: ClinVar variation 290439 (VCV000290439.11), dbSNP rs886044453, ClinGen allele CA10606777.